The following is an entry in ClinVar:

ClinVar aggregate classification (germline): Pathogenic (1 of 4 stars; one submission).

Conditions:
Duchenne muscular dystrophy (DMD). Also called: MUSCULAR DYSTROPHY, PSEUDOHYPERTROPHIC PROGRESSIVE, DUCHENNE TYPE; Duchenne Muscular Dystrophy (DMD). Identifiers: Orphanet 98896, MedGen C0013264, MONDO:0010679, OMIM 310200.

Submission:

Labcorp Genetics (formerly Invitae), Labcorp
Classification: Pathogenic for Duchenne muscular dystrophy. Last evaluated: 2022-01-26. Review status: criteria provided, single submitter. Criteria: Invitae Variant Classification Sherloc (09022015). Collection method: clinical testing. Allele origin: germline.
Comment: For these reasons, this variant has been classified as Pathogenic. This variant has not been reported in the literature in individuals affected with DMD-related conditions. This variant is not present in population databases (gnomAD no frequency). This sequence change creates a premature translational stop signal (p.Glu1925Glyfs*7) in the DMD gene. It is expected to result in an absent or disrupted protein product. Loss-of-function variants in DMD are known to be pathogenic (PMID: 16770791, 25007885).

Literature cited by the submitters: PubMed 16770791; PubMed 25007885.

NM_004006.3(DMD):c.5773dup (p.Glu1925fs)

Gene: DMD (dystrophin; minus strand). Cytogenetic location: Xp21.1.
Variant type: Duplication.
Coding change: c.5773dup on transcript NM_004006.3 (MANE Select); coding-DNA position 5773, one base duplicated (G; older notation c.5773dupG).
Protein change: p.Glu1925fs; shifts the reading frame from glutamic acid 1925.
Molecular consequence: frameshift variant.
Genome position (GRCh38, 1-based): chrX:32,342,249, C duplicated on the plus strand (G on the coding strand, the reverse complement: DMD is on the minus strand); the first of 2 consecutive C bases (chrX:32,342,249-32,342,250); duplicating either gives the same sequence. VCF-style (leftmost placement, unchanged base first): chrX-32342248-T-TC. GRCh37 (hg19) VCF-style: chrX-32360365-T-TC.
Other names: c.5749dup, p.Glu1917fs (NM_000109.4); c.5761dup, p.Glu1921fs (NM_004009.3); c.5404dup, p.Glu1802fs (NM_004010.3); c.1750dup, p.Glu584fs (NM_004011.4); c.1741dup, p.Glu581fs (NM_004012.4); short protein forms E1802fs, E1917fs, E1921fs, E584fs, E581fs, E1925fs.
Identifiers: ClinVar variation 2054522 (VCV002054522.4), dbSNP rs2521812104, ClinGen allele CA2580100636.